The following is an entry in ClinVar:

NM_004656.4(BAP1):c.2143C>A (p.Pro715Thr)

Gene: BAP1 (BRCA1 associated deubiquitinase 1; minus strand). Cytogenetic location: 3p21.1.
Variant type: single nucleotide variant.
Coding change: c.2143C>A on transcript NM_004656.4 (MANE Select); coding-DNA position 2143, C replaced by A.
Protein change: p.Pro715Thr; replaces proline 715 with threonine.
Molecular consequence: missense variant.
Genome position (GRCh38, 1-based): chr3:52,402,335, G>T on the plus strand (C>A on the coding strand, the complement: BAP1 is on the minus strand). VCF-style: chr3-52402335-G-T. GRCh37 (hg19) VCF-style: chr3-52436351-G-T.
Other names: c.2089C>A, p.Pro697Thr (NM_001410772.1); short protein forms P697T, P715T.
Identifiers: ClinVar variation 1786616 (VCV001786616.8), dbSNP rs1704982902, ClinGen allele CA353094144.
Genomic context (GRCh38, chr3:52,402,335, plus strand): 5'-GGGCCAGCAGTCCTCACTGGCGCTTGGCCTTGTAGGGGCGAGAGCGTTTCCGCCGGTCAG[G>T]CTTCCGCTGCTTGTGGAGCCGGCCGATGCTGACCCCTTGGCGCCGCCGCACGGAGATGTT-3'
Protein context (NP_004647.1, residues 705-725): SIGRLHKQRK[Pro715Thr]DRRKRSRPYK

ClinVar aggregate classification (germline): Uncertain significance. Review status: criteria provided, multiple submitters, no conflicts (2 of 4 stars). 2 submissions from 2 submitters: Uncertain significance (2). Last evaluated 2023-04-19.

Conditions:
Hereditary cancer-predisposing syndrome. Also called: Neoplastic Syndromes, Hereditary; Tumor predisposition; Hereditary Cancer Syndrome; Hereditary neoplastic syndrome. Identifiers: Orphanet 140162, MedGen C0027672, MeSH D009386, MONDO:0015356.
BAP1-related tumor predisposition syndrome (TPDS1). Also called: COMMON Syndrome; TUMOR PREDISPOSITION SYNDROME 1; BAP1 tumor predisposition syndrome; Tumor susceptibility linked to germline BAP1 mutations. Identifiers: Orphanet 289539, MedGen C3280492, MONDO:0013692, OMIM 614327.

Allele frequency attached by ClinVar (database versions not stated): gnomAD exomes below 0.00001.
gnomAD v4.1: 2 of 1,590,360 alleles (0.00013%); highest among the groups gnomAD compares: Non-Finnish European, 0.000085%; no homozygotes.

Submissions (2):

Labcorp Genetics (formerly Invitae), Labcorp
Classification: Uncertain significance for BAP1-related tumor predisposition syndrome. Last evaluated: 2023-04-19. Review status: criteria provided, single submitter. Criteria: Invitae Variant Classification Sherloc (09022015). Collection method: clinical testing. Allele origin: germline.
Comment: Advanced modeling of protein sequence and biophysical properties (such as structural, functional, and spatial information, amino acid conservation, physicochemical variation, residue mobility, and thermodynamic stability) performed at Invitae indicates that this missense variant is not expected to disrupt BAP1 protein function. In summary, the available evidence is currently insufficient to determine the role of this variant in disease. Therefore, it has been classified as a Variant of Uncertain Significance. ClinVar contains an entry for this variant (Variation ID: 1786616). This variant has not been reported in the literature in individuals affected with BAP1-related conditions. This variant is not present in population databases (gnomAD no frequency). This sequence change replaces proline, which is neutral and non-polar, with threonine, which is neutral and polar, at codon 715 of the BAP1 protein (p.Pro715Thr).

Ambry Genetics
Classification: Uncertain significance for Hereditary cancer-predisposing syndrome. Last evaluated: 2022-04-19. Review status: criteria provided, single submitter. Criteria: Ambry Variant Classification Scheme 2023. Collection method: clinical testing. Allele origin: germline.
Comment: The p.P715T variant (also known as c.2143C>A), located in coding exon 17 of the BAP1 gene, results from a C to A substitution at nucleotide position 2143. The proline at codon 715 is replaced by threonine, an amino acid with highly similar properties. This amino acid position is conserved. In addition, this alteration is predicted to be tolerated by in silico analysis. Since supporting evidence is limited at this time, the clinical significance of this alteration remains unclear.